The following is an entry in ClinVar:

ClinVar aggregate classification (germline): Uncertain significance. Review status: criteria provided, multiple submitters, no conflicts (2 of 4 stars). 2 submissions from 2 submitters: Uncertain significance (2). Last evaluated 2025-05-19.

Conditions:
Alstrom syndrome (ALMS). Identifiers: Orphanet 64, MedGen C0268425, MONDO:0008763, OMIM 203800.
Cardiovascular phenotype. Identifiers: MedGen CN230736.

Allele frequency attached by ClinVar (database versions not stated): ExAC 0.00001.
gnomAD v4.1: 7 of 1,614,026 alleles (0.00043%); highest among the groups gnomAD compares: South Asian, 0.0077%; no homozygotes.

Submissions (2):

Labcorp Genetics (formerly Invitae), Labcorp
Classification: Uncertain significance for Alstrom syndrome. Last evaluated: 2025-05-19. Review status: criteria provided, single submitter. Criteria: Invitae Variant Classification Sherloc (09022015). Collection method: clinical testing. Allele origin: germline.
Comment: This sequence change replaces serine, which is neutral and polar, with phenylalanine, which is neutral and non-polar, at codon 1858 of the ALMS1 protein (p.Ser1858Phe). This variant is present in population databases (rs375354717, gnomAD 0.003%). This variant has not been reported in the literature in individuals affected with ALMS1-related conditions. ClinVar contains an entry for this variant (Variation ID: 3226621). Experimental studies and prediction algorithms are not available or were not evaluated, and the functional significance of this variant is currently unknown. In summary, the available evidence is currently insufficient to determine the role of this variant in disease. Therefore, it has been classified as a Variant of Uncertain Significance.

Ambry Genetics
Classification: Uncertain significance for Cardiovascular phenotype. Last evaluated: 2024-03-07. Review status: criteria provided, single submitter. Criteria: Ambry Variant Classification Scheme 2023. Collection method: clinical testing. Allele origin: germline.
Comment: The p.S1858F variant (also known as c.5573C>T), located in coding exon 8 of the ALMS1 gene, results from a C to T substitution at nucleotide position 5573. The serine at codon 1858 is replaced by phenylalanine, an amino acid with highly dissimilar properties. This amino acid position is not well conserved in available vertebrate species. In addition, this alteration is predicted to be tolerated by in silico analysis. Based on the available evidence, the clinical significance of this alteration remains unclear.

NM_001378454.1(ALMS1):c.5570C>T (p.Ser1857Phe)

Gene: ALMS1 (ALMS1 centrosome and basal body associated protein; plus strand). Cytogenetic location: 2p13.1.
Variant type: single nucleotide variant.
Coding change: c.5570C>T on transcript NM_001378454.1 (MANE Select); coding-DNA position 5570, C replaced by T.
Protein change: p.Ser1857Phe; replaces serine 1857 with phenylalanine.
Molecular consequence: missense variant.
Genome position (GRCh38, 1-based): chr2:73,452,097, C>T. VCF-style: chr2-73452097-C-T. GRCh37 (hg19) VCF-style: chr2-73679224-C-T.
Other names: c.5573C>T, p.Ser1858Phe (NM_015120.4); short protein forms S1857F, S1858F.
Identifiers: ClinVar variation 3226621 (VCV003226621.2), dbSNP rs375354717, ClinGen allele CA1713906.